The following is an entry in ClinVar:

ClinVar aggregate classification (germline): Benign. Review status: criteria provided, multiple submitters, no conflicts (2 of 4 stars). 3 submissions from 3 submitters: Benign (2). 1 of the submissions does not count toward it. Last evaluated 2026-02-03.

Conditions:
FBN3-related disorder. Also called: FBN3-related condition.

Allele frequency attached by ClinVar (database versions not stated): ESP Exome Variant Server 0.00753; gnomAD exomes 0.00903; gnomAD 0.00976; TOPMed 0.01213; 1000 Genomes Project 30x 0.03107; 1000 Genomes Project 0.03355.
gnomAD v4.1: 15,415 of 1,613,802 alleles (0.96%); highest among the groups gnomAD compares: East Asian, 7.5%; 355 homozygotes.

Submissions (3):

Labcorp Genetics (formerly Invitae), Labcorp
Classification: Benign. Last evaluated: 2026-02-03. Review status: criteria provided, single submitter. Criteria: Invitae Variant Classification Sherloc (09022015). Collection method: clinical testing. Allele origin: germline.

Breakthrough Genomics
Classification: Benign. Review status: criteria provided, single submitter. Criteria: ACMG Guidelines, 2015. Collection method: not provided. Allele origin: germline. Inheritance: Unknown mechanism. Affected: yes.

PreventionGenetics, part of Exact Sciences
Classification: Benign for FBN3-related condition. Last evaluated: 2019-04-24. Review status: no assertion criteria provided. Collection method: clinical testing. Allele origin: germline. Not counted in ClinVar's aggregate classification.
Comment: This variant is classified as benign based on ACMG/AMP sequence variant interpretation guidelines (Richards et al. 2015 PMID: 25741868, with internal and published modifications).

NM_032447.5(FBN3):c.1338G>A (p.Glu446=)

Gene: FBN3 (fibrillin 3; minus strand). Cytogenetic location: 19p13.2.
Variant type: single nucleotide variant.
Coding change: c.1338G>A on transcript NM_032447.5 (MANE Select); coding-DNA position 1338, G replaced by A.
Protein change: p.Glu446=; no amino-acid change (glutamic acid 446 retained).
Molecular consequence: synonymous variant.
Genome position (GRCh38, 1-based): chr19:8,136,395, C>T on the plus strand (G>A on the coding strand, the complement: FBN3 is on the minus strand). VCF-style: chr19-8136395-C-T. GRCh37 (hg19) VCF-style: chr19-8201279-C-T.
Other names: c.1338G>A (NM_001321431.1); c.1338G>A, p.Glu446= (NM_001321431.2).
Identifiers: ClinVar variation 1607335 (VCV001607335.11), dbSNP rs75077069, ClinGen allele CA9153384.
Genomic context (GRCh38, chr19:8,136,395, plus strand): 5'-AGCACGAGCAGGGCAGTGAGAACCGCCCCCCCTTCCACCTGGCCGCGGCTCACCAATGCA[C>T]TCGCCGCGCACGTCCTGGGTGTAGCCCACGTTACACTCGCAGCGGTAGCTGGAAGGCGTG-3'
Protein context (NP_115823.3, residues 436-456): NVGYTQDVRG[Glu446=]CIDVDECTSS